The following is an entry in ClinVar:

NM_197968.4(ZMYM2):c.1831A>G (p.Ser611Gly)

Gene: ZMYM2 (zinc finger MYM-type containing 2; plus strand). Cytogenetic location: 13q12.11.
Variant type: single nucleotide variant.
Coding change: c.1831A>G on transcript NM_197968.4 (MANE Select); coding-DNA position 1831, A replaced by G.
Protein change: p.Ser611Gly; replaces serine 611 with glycine.
Molecular consequence: missense variant. On other transcripts: non-coding transcript variant (1).
Genome position (GRCh38, 1-based): chr13:20,027,298, A>G. VCF-style: chr13-20027298-A-G. GRCh37 (hg19) VCF-style: chr13-20601438-A-G.
Other names: c.1831A>G, p.Ser611Gly (NM_001190964.4, NM_001190965.4, NM_001353157.2 and 5 more transcripts); c.1636A>G, p.Ser546Gly (NM_001353161.3); c.1570A>G, p.Ser524Gly (NM_001353163.2); short protein forms S524G, S546G, S611G.
Identifiers: ClinVar variation 2575566 (VCV002575566.1), dbSNP rs2503006399, ClinGen allele CA387672770.

ClinVar aggregate classification (germline): Uncertain significance (1 of 4 stars; one submission).

Allele frequency attached by ClinVar (database versions not stated): gnomAD exomes below 0.00001.
gnomAD v4.1: 1 of 1,572,074 alleles (0.000064%); highest among the groups gnomAD compares: Non-Finnish European, 0.000086%; no homozygotes.

Submission:

GeneDx
Classification: Uncertain significance. Last evaluated: 2023-02-07. Review status: criteria provided, single submitter. Criteria: GeneDx Variant Classification Process June 2021. Collection method: clinical testing. Allele origin: germline. Affected: yes.
Comment: Not observed at significant frequency in large population cohorts (gnomAD); In silico analysis supports that this missense variant does not alter protein structure/function; Has not been previously published as pathogenic or benign to our knowledge